The following is an entry in ClinVar:

ClinVar aggregate classification (germline): Uncertain significance (1 of 4 stars; one submission).

Conditions:
Polycystic kidney disease, adult type (PKD1). Also called: Polycystic Kidney Disease 1, Autosomal Dominant; Polycystic kidney disease 1; Polycystic kidney disease 1, severe; POLYCYSTIC KIDNEY DISEASE, ADULT, TYPE I; POLYCYSTIC KIDNEY DISEASE 1 WITH OR WITHOUT POLYCYSTIC LIVER DISEASE; Polycystic Kidney, Autosomal Dominant. Identifiers: MedGen C3149841, MONDO:0008263, OMIM 173900.

Submission:

Juno Genomics, Hangzhou Juno Genomics, Inc
Classification: Uncertain significance for Polycystic kidney disease, adult type. Review status: criteria provided, single submitter. Criteria: ACMG Guidelines, 2015. Collection method: clinical testing. Allele origin: germline.
Comment: Absent from controls (or at extremely low frequency if recessive) in Genome Aggregation Database.;Patient's phenotype or family history is highly specific for a disease with a single genetic etiology.

NM_001009944.3(PKD1):c.12003+24_12003+35del

Gene: PKD1 (polycystin 1, transient receptor potential channel interacting; minus strand). Cytogenetic location: 16p13.3.
Variant type: Deletion.
Coding change: c.12003+24_12003+35del on transcript NM_001009944.3 (MANE Select); bases 24 to 35 of the intron after coding-DNA position 12003, 12 bases deleted (GGGGCTGGGCGC).
Molecular consequence: intron variant.
Genome position (GRCh38, 1-based): chr16:2,090,849-2,090,860, GCGCCCAGCCCC deleted on the plus strand (GGGGCTGGGCGC on the coding strand, the reverse complement: PKD1 is on the minus strand); deleting any 12 consecutive bases within chr16:2,090,849-2,090,867 gives the same sequence; the c. name uses the placement nearest the transcript's 3' end. VCF-style (leftmost placement, unchanged base first): chr16-2090848-TGCGCCCAGCCCC-T. GRCh37 (hg19) VCF-style: chr16-2140849-TGCGCCCAGCCCC-T.
Other names: c.12000+24_12000+35del (NM_000296.4).
Identifiers: ClinVar variation 5019458 (VCV005019458.2).
Genomic context (GRCh38, chr16:2,090,848, plus strand): 5'-GAAGCGTAGCTGCTGGGCAGCCTGCGGACGAGAAATCTGTCTGCTTGCAGCCCTGGGGTG[TGCGCCCAGCCCC>T]GCGCCCACCGGCCCAGCCCTCACCTTGACCAAAAGCAGGAAGAGCAGCGAGGCCGCCAGG-3'